The following is an entry in ClinVar:

ClinVar aggregate classification (germline): Uncertain significance (1 of 4 stars; one submission).

Allele frequency attached by ClinVar (database versions not stated): gnomAD 0.00001.
gnomAD v4.1: 2 of 1,613,340 alleles (0.00012%); highest among the groups gnomAD compares: African/African-American, 0.0013%; no homozygotes.

Submission:

GeneDx
Classification: Uncertain significance. Last evaluated: 2023-03-30. Review status: criteria provided, single submitter. Criteria: GeneDx Variant Classification Process June 2021. Collection method: clinical testing. Allele origin: germline. Affected: yes.
Comment: Not observed at significant frequency in large population cohorts (gnomAD); In silico analysis supports that this missense variant has a deleterious effect on protein structure/function; Has not been previously published as pathogenic or benign to our knowledge

NM_000094.4(COL7A1):c.7168G>T (p.Asp2390Tyr)

Gene: COL7A1 (collagen type VII alpha 1 chain; minus strand). Cytogenetic location: 3p21.31.
Variant type: single nucleotide variant.
Coding change: c.7168G>T on transcript NM_000094.4 (MANE Select); coding-DNA position 7168, G replaced by T.
Protein change: p.Asp2390Tyr; replaces aspartic acid 2390 with tyrosine.
Molecular consequence: missense variant.
Genome position (GRCh38, 1-based): chr3:48,570,965, C>A on the plus strand (G>T on the coding strand, the complement: COL7A1 is on the minus strand). VCF-style: chr3-48570965-C-A. GRCh37 (hg19) VCF-style: chr3-48608398-C-A.
Other names: short protein forms D2390Y.
Identifiers: ClinVar variation 2582159 (VCV002582159.1), dbSNP rs2043880483, ClinGen allele CA352650706.